The following is an entry in ClinVar:

NM_145059.3(FCSK):c.797T>G (p.Phe266Cys)

Gene: FCSK (fucose kinase; plus strand). Cytogenetic location: 16q22.1.
Variant type: single nucleotide variant.
Coding change: c.797T>G on transcript NM_145059.3 (MANE Select); coding-DNA position 797, T replaced by G.
Protein change: p.Phe266Cys; replaces phenylalanine 266 with cysteine.
Molecular consequence: missense variant.
Genome position (GRCh38, 1-based): chr16:70,469,165, T>G. VCF-style: chr16-70469165-T-G. GRCh37 (hg19) VCF-style: chr16-70503068-T-G.
Other names: short protein forms F266C.
Identifiers: ClinVar variation 1931785 (VCV001931785.5), dbSNP rs1183807010, ClinGen allele CA396565744.

ClinVar aggregate classification (germline): Uncertain significance (1 of 4 stars; one submission).

Allele frequency attached by ClinVar (database versions not stated): gnomAD exomes below 0.00001; TOPMed below 0.00001; gnomAD 0.00001.
gnomAD v4.1: 2 of 1,614,074 alleles (0.00012%); highest among the groups gnomAD compares: Non-Finnish European, 0.00017%; no homozygotes.

Submission:

Labcorp Genetics (formerly Invitae), Labcorp
Classification: Uncertain significance. Last evaluated: 2024-10-29. Review status: criteria provided, single submitter. Criteria: Invitae Variant Classification Sherloc (09022015). Collection method: clinical testing. Allele origin: germline.
Comment: This sequence change replaces phenylalanine, which is neutral and non-polar, with cysteine, which is neutral and slightly polar, at codon 266 of the FUK protein (p.Phe266Cys). This variant is present in population databases (no rsID available, gnomAD 0.007%). This variant has not been reported in the literature in individuals affected with FUK-related conditions. ClinVar contains an entry for this variant (Variation ID: 1931785). An algorithm developed to predict the effect of missense changes on protein structure and function (PolyPhen-2) suggests that this variant is likely to be disruptive. In summary, the available evidence is currently insufficient to determine the role of this variant in disease. Therefore, it has been classified as a Variant of Uncertain Significance.